The following is an entry in ClinVar:

ClinVar aggregate classification (germline): Likely benign. Review status: criteria provided, multiple submitters, no conflicts (2 of 4 stars). 2 submissions from 2 submitters: Likely benign (2). Last evaluated 2025-09-03.

Conditions:
PKD1L1-related disorder. Also called: PKD1L1-related condition.

gnomAD v4.1: 320 of 1,609,178 alleles (0.02%); highest among the groups gnomAD compares: Non-Finnish European, 0.024%; 1 homozygote.

Submissions (2):

Labcorp Genetics (formerly Invitae), Labcorp
Classification: Likely benign. Last evaluated: 2025-09-03. Review status: criteria provided, single submitter. Criteria: Invitae Variant Classification Sherloc (09022015). Collection method: clinical testing. Allele origin: germline.

PreventionGenetics, part of Exact Sciences
Classification: Likely benign for PKD1L1-related condition. Last evaluated: 2025-04-18. Review status: criteria provided, single submitter. Criteria: ACMG Guidelines, 2015. Collection method: clinical testing. Allele origin: germline.
Comment: This variant is classified as likely benign based on ACMG/AMP sequence variant interpretation guidelines (Richards et al. 2015 PMID: 25741868, with internal and published modifications).

NM_138295.5(PKD1L1):c.4702-8G>T

Gene: PKD1L1 (polycystin 1 like 1, transient receptor potential channel interacting; minus strand). Cytogenetic location: 7p12.3.
Variant type: single nucleotide variant.
Coding change: c.4702-8G>T on transcript NM_138295.5 (MANE Select); 8 bases into the intron before coding-DNA position 4702, G replaced by T.
Molecular consequence: intron variant.
Genome position (GRCh38, 1-based): chr7:47,855,047, C>A on the plus strand (G>T on the coding strand, the complement: PKD1L1 is on the minus strand). VCF-style: chr7-47855047-C-A. GRCh37 (hg19) VCF-style: chr7-47894645-C-A.
Other names: c.4702-8G>T (NM_138295.3).
Identifiers: ClinVar variation 4810187 (VCV004810187.2).